The following is an entry in ClinVar:

NM_003072.5(SMARCA4):c.683C>A (p.Thr228Lys)

Gene: SMARCA4 (SWI/SNF related BAF chromatin remodeling complex subunit ATPase 4; plus strand). Cytogenetic location: 19p13.2.
Variant type: single nucleotide variant.
Coding change: c.683C>A on transcript NM_003072.5 (MANE Select); coding-DNA position 683, C replaced by A.
Protein change: p.Thr228Lys; replaces threonine 228 with lysine.
Molecular consequence: missense variant. On other transcripts: non-coding transcript variant (1).
Genome position (GRCh38, 1-based): chr19:10,986,516, C>A. VCF-style: chr19-10986516-C-A. GRCh37 (hg19) VCF-style: chr19-11097192-C-A.
Other names: c.683C>A, p.Thr228Lys (NM_001128844.3, NM_001128845.2, NM_001128846.2 and 5 more transcripts); short protein forms T228K.
Identifiers: ClinVar variation 1416652 (VCV001416652.9), dbSNP rs2145783138, ClinGen allele CA404056973.
Genomic context (GRCh38, chr19:10,986,516, plus strand): 5'-GGCCGATGCCCGGGATGCAGCAGCAGATGCCAACGCTACCTCCACCCTCGGTGTCCGCAA[C>A]AGGACCCGGCCCTGGCCCTGGCCCTGGCCCCGGCCCGGGTCCCGGCCCGGCACCTCCAAA-3'
Protein context (NP_003063.2, residues 218-238): PTLPPPSVSA[Thr228Lys]GPGPGPGPGP

ClinVar aggregate classification (germline): Uncertain significance. Review status: criteria provided, multiple submitters, no conflicts (2 of 4 stars). 2 submissions from 2 submitters: Uncertain significance (2). Last evaluated 2025-06-13.

Conditions:
Rhabdoid tumor predisposition syndrome 2 (RTPS2). Identifiers: Orphanet 231108, Orphanet 69077, MedGen C2750074, MONDO:0013224, OMIM 613325.
Hereditary cancer-predisposing syndrome. Also called: Hereditary Cancer Syndrome; Tumor predisposition; Hereditary neoplastic syndrome; Neoplastic Syndromes, Hereditary. Identifiers: Orphanet 140162, MedGen C0027672, MeSH D009386, MONDO:0015356.

Allele frequency attached by ClinVar (database versions not stated): gnomAD exomes below 0.00001.
gnomAD v4.1: 1 of 1,544,614 alleles (0.000065%); highest among the groups gnomAD compares: African/African-American, 0.0014%; no homozygotes.

Submissions (2):

Ambry Genetics
Classification: Uncertain significance for Hereditary cancer-predisposing syndrome. Last evaluated: 2025-06-13. Review status: criteria provided, single submitter. Criteria: Ambry Variant Classification Scheme 2023. Collection method: clinical testing. Allele origin: germline.
Comment: The p.T228K variant (also known as c.683C>A), located in coding exon 3 of the SMARCA4 gene, results from a C to A substitution at nucleotide position 683. The threonine at codon 228 is replaced by lysine, an amino acid with similar properties. This amino acid position is well conserved in available vertebrate species. In addition, this alteration is predicted to be tolerated by in silico analysis. Based on the available evidence, the clinical significance of this variant remains unclear.

Labcorp Genetics (formerly Invitae), Labcorp
Classification: Uncertain significance for Rhabdoid tumor predisposition syndrome 2. Last evaluated: 2022-02-21. Review status: criteria provided, single submitter. Criteria: Invitae Variant Classification Sherloc (09022015). Collection method: clinical testing. Allele origin: germline.
Comment: In summary, the available evidence is currently insufficient to determine the role of this variant in disease. Therefore, it has been classified as a Variant of Uncertain Significance. Algorithms developed to predict the effect of sequence changes on RNA splicing suggest that this variant may disrupt the consensus splice site. Algorithms developed to predict the effect of missense changes on protein structure and function are either unavailable or do not agree on the potential impact of this missense change (SIFT: "Deleterious"; PolyPhen-2: "Benign"; Align-GVGD: "Class C0"). This variant has not been reported in the literature in individuals affected with SMARCA4-related conditions. This variant is not present in population databases (gnomAD no frequency). This sequence change replaces threonine, which is neutral and polar, with lysine, which is basic and polar, at codon 228 of the SMARCA4 protein (p.Thr228Lys).